The following is an entry in ClinVar:

ClinVar aggregate classification (germline): Uncertain significance (1 of 4 stars; one submission).

gnomAD v4.1: 1 of 1,608,542 alleles (0.000062%); highest among the groups gnomAD compares: Non-Finnish European, 0.000085%; no homozygotes.

Submission:

Ambry Genetics
Classification: Uncertain significance. Last evaluated: 2024-11-02. Review status: criteria provided, single submitter. Criteria: Ambry Variant Classification Scheme 2023. Collection method: clinical testing. Allele origin: germline.
Comment: The p.P9A variant (also known as c.25C>G), located in coding exon 1 of the EGLN2 gene, results from a C to G substitution at nucleotide position 25. The proline at codon 9 is replaced by alanine, an amino acid with highly similar properties. This amino acid position is conserved. In addition, this alteration is predicted to be tolerated by in silico analysis. Based on the available evidence, the clinical significance of this variant remains unclear.

NM_080732.4(EGLN2):c.25C>G (p.Pro9Ala)

Genes: EGLN2 (egl-9 family hypoxia inducible factor 2; plus strand), RAB4B-EGLN2 (RAB4B-EGLN2 readthrough (NMD candidate); plus strand). Cytogenetic location: 19q13.2.
Variant type: single nucleotide variant.
Coding change: c.25C>G on transcript NM_080732.4 (MANE Select); coding-DNA position 25, C replaced by G.
Protein change: p.Pro9Ala; replaces proline 9 with alanine.
Molecular consequence: missense variant. On other transcripts: non-coding transcript variant (1).
Genome position (GRCh38, 1-based): chr19:40,800,597, C>G. VCF-style: chr19-40800597-C-G. GRCh37 (hg19) VCF-style: chr19-41306502-C-G.
Other names: c.25C>G, p.Pro9Ala (NM_053046.4); short protein forms P9A.
Identifiers: ClinVar variation 3507300 (VCV003507300.1).
Genomic context (GRCh38, chr19:40,800,597, plus strand): 5'-TGCCCTCCATGCCCGGGGGATGAAGACACTGCTGCCATGGACAGCCCGTGCCAGCCGCAG[C>G]CCCTAAGTCAGGCTCTCCCTCAGTTACCAGGGTCTTCGTCAGAGCCCTTGGAGCCTGAGC-3'
Protein context (NP_542770.2, residues 1-19): MDSPCQPQ[Pro9Ala]LSQALPQLPG